The following is an entry in ClinVar:

NM_000038.6(APC):c.4240G>A (p.Val1414Ile)

Gene: APC (APC regulator of Wnt signaling pathway; plus strand). Cytogenetic location: 5q22.2.
Variant type: single nucleotide variant.
Coding change: c.4240G>A on transcript NM_000038.6 (MANE Select); coding-DNA position 4240, G replaced by A.
Protein change: p.Val1414Ile; replaces valine 1414 with isoleucine.
Molecular consequence: missense variant.
Genome position (GRCh38, 1-based): chr5:112,839,834, G>A. VCF-style: chr5-112839834-G-A. GRCh37 (hg19) VCF-style: chr5-112175531-G-A.
Other names: c.3991G>A, p.Val1331Ile (NM_001407454.1, NM_001407455.1, NM_001407456.1 and 1 more transcripts); c.3937G>A, p.Val1313Ile (NM_001407460.1, NM_001407458.1, NM_001407459.1 and 1 more transcripts); c.3853G>A, p.Val1285Ile (NM_001407467.1, NM_001407469.1); c.3391G>A, p.Val1131Ile (NM_001407470.1, NM_001354906.2); c.3088G>A, p.Val1030Ile (NM_001407472.1, NM_001407471.1); c.4240G>A, p.Val1414Ile (NM_001127510.3, NM_001354895.2, NM_001407450.1); c.4186G>A, p.Val1396Ile (NM_001127511.3); c.4294G>A, p.Val1432Ile (NM_001354896.2, NM_001407447.1, NM_001407448.1 and 1 more transcripts); and 11 more; short protein forms V1323I, V1331I, V1404I, V1131I, V1386I, V1414I, V1285I, V1313I.
Identifiers: ClinVar variation 1738998 (VCV001738998.4), dbSNP rs755300914, ClinGen allele CA038435.

ClinVar aggregate classification (germline): Uncertain significance. Review status: criteria provided, multiple submitters, no conflicts (2 of 4 stars). 2 submissions from 2 submitters: Uncertain significance (2). Last evaluated 2025-04-03.

Conditions:
Hereditary cancer-predisposing syndrome. Also called: Hereditary Cancer Syndrome; Hereditary neoplastic syndrome; Neoplastic Syndromes, Hereditary; Tumor predisposition. Identifiers: Orphanet 140162, MedGen C0027672, MeSH D009386, MONDO:0015356.
Familial adenomatous polyposis 1 (FAP1). Also called: FAMILIAL ADENOMATOUS POLYPOSIS 1, ATTENUATED; POLYPOSIS, ADENOMATOUS INTESTINAL. Identifiers: MedGen C2713442, MONDO:0021056, OMIM 175100. Disease mechanism: loss of function.

Allele frequency attached by ClinVar (database versions not stated): ExAC 0.00001.

Submissions (2):

Labcorp Genetics (formerly Invitae), Labcorp
Classification: Uncertain significance for Familial adenomatous polyposis 1. Last evaluated: 2025-04-03. Review status: criteria provided, single submitter. Criteria: Invitae Variant Classification Sherloc (09022015). Collection method: clinical testing. Allele origin: germline.
Comment: This sequence change replaces valine, which is neutral and non-polar, with isoleucine, which is neutral and non-polar, at codon 1414 of the APC protein (p.Val1414Ile). This variant is present in population databases (rs755300914, gnomAD 0.006%). This variant has not been reported in the literature in individuals affected with APC-related conditions. ClinVar contains an entry for this variant (Variation ID: 1738998). Invitae Evidence Modeling of protein sequence and biophysical properties (such as structural, functional, and spatial information, amino acid conservation, physicochemical variation, residue mobility, and thermodynamic stability) indicates that this missense variant is not expected to disrupt APC protein function with a negative predictive value of 95%. In summary, the available evidence is currently insufficient to determine the role of this variant in disease. Therefore, it has been classified as a Variant of Uncertain Significance.

Ambry Genetics
Classification: Uncertain significance for Hereditary cancer-predisposing syndrome. Last evaluated: 2024-08-29. Review status: criteria provided, single submitter. Criteria: Ambry Variant Classification Scheme 2023. Collection method: clinical testing. Allele origin: germline.
Comment: The p.V1414I variant (also known as c.4240G>A), located in coding exon 15 of the APC gene, results from a G to A substitution at nucleotide position 4240. The valine at codon 1414 is replaced by isoleucine, an amino acid with highly similar properties. This amino acid position is not well conserved in available vertebrate species. In addition, in silico predictors for this gene do not accurately predict pathogenicity. Missense alterations in APC are not a common cause of disease (Spier I et al. Genet Med. 2024 Feb;26(2):100992). Based on the available evidence, the clinical significance of this variant remains unclear.